The following is an entry in ClinVar:

ClinVar aggregate classification (germline): Uncertain significance. Review status: criteria provided, multiple submitters, no conflicts (2 of 4 stars). 2 submissions from 2 submitters: Uncertain significance (2). Last evaluated 2025-09-25.

Conditions:
Hereditary cancer-predisposing syndrome. Also called: Hereditary Cancer Syndrome; Hereditary neoplastic syndrome; Neoplastic Syndromes, Hereditary; Tumor predisposition. Identifiers: Orphanet 140162, MedGen C0027672, MeSH D009386, MONDO:0015356.
Oligodontia-cancer predisposition syndrome. Also called: TOOTH AGENESIS-COLORECTAL CANCER SYNDROME. Identifiers: Orphanet 300576, MedGen C1837750, MONDO:0012075, OMIM 608615. Disease mechanism: loss of function.

Submissions (2):

Ambry Genetics
Classification: Uncertain significance for Hereditary cancer-predisposing syndrome. Last evaluated: 2025-09-25. Review status: criteria provided, single submitter. Criteria: Ambry Variant Classification Scheme 2023. Collection method: clinical testing. Allele origin: germline.
Comment: The c.1416_1421delCCACCA variant (also known as p.H473_H474del) is located in coding exon 5 of the AXIN2 gene. This variant results from an in-frame CCACCA deletion at nucleotide positions 1416 to 1421. This results in the in-frame deletion of 2 histidine residues at codons 473 and 474. These amino acid positions are not well conserved in available vertebrate species. In addition, this alteration is predicted to be neutral by in silico analysis (Choi Y et al. PLoS ONE. 2012; 7(10):e46688). Since supporting evidence is limited at this time, the clinical significance of this alteration remains unclear.

Labcorp Genetics (formerly Invitae), Labcorp
Classification: Uncertain significance for Oligodontia-cancer predisposition syndrome. Last evaluated: 2025-04-11. Review status: criteria provided, single submitter. Criteria: Invitae Variant Classification Sherloc (09022015). Collection method: clinical testing. Allele origin: germline.
Comment: This variant, c.1416_1421del, results in the deletion of 2 amino acid(s) of the AXIN2 protein (p.His473_His474del), but otherwise preserves the integrity of the reading frame. This variant is not present in population databases (gnomAD no frequency). This variant has not been reported in the literature in individuals affected with AXIN2-related conditions. Experimental studies and prediction algorithms are not available or were not evaluated, and the functional significance of this variant is currently unknown. In summary, the available evidence is currently insufficient to determine the role of this variant in disease. Therefore, it has been classified as a Variant of Uncertain Significance.

NM_004655.4(AXIN2):c.1404CCA[4] (p.His473_His474del)

Gene: AXIN2 (axin 2; minus strand). Cytogenetic location: 17q24.1.
Variant type: Microsatellite.
Coding change: c.1404CCA[4] on transcript NM_004655.4 (MANE Select); four copies in a row of the 3-base unit CCA starting at c.1404; the reference has six copies in a row; two copies, 6 bases deleted.
Protein change: p.His473_His474del.
Molecular consequence: inframe deletion. On other transcripts: inframe indel (2).
Genome position (GRCh38, 1-based): chr17:65,537,615-65,537,620, TGGTGG deleted on the plus strand (CCACCA on the coding strand, the reverse complement: AXIN2 is on the minus strand); deleting any 6 consecutive bases within chr17:65,537,615-65,537,633 gives the same sequence; the position shown is the placement nearest the transcript's 3' end. VCF-style (leftmost placement, unchanged base first): chr17-65537614-ATGGTGG-A. GRCh37 (hg19) VCF-style: chr17-63533732-ATGGTGG-A.
Other names: c.1404CCA[4], p.His473_His474del (NM_001363813.1); c.1403_1405ACC[4], p.His473_His474del (NM_004655.3); c.1416_1421delCCACCA (NM_004655.3).
Identifiers: ClinVar variation 1772122 (VCV001772122.6), dbSNP rs570443161, ClinGen allele CA985561618.